The following is an entry in ClinVar:

NM_005477.3(HCN4):c.3004G>C (p.Glu1002Gln)

Gene: HCN4 (hyperpolarization activated cyclic nucleotide gated potassium channel 4; minus strand). Cytogenetic location: 15q24.1.
Variant type: single nucleotide variant.
Coding change: c.3004G>C on transcript NM_005477.3 (MANE Select); coding-DNA position 3004, G replaced by C.
Protein change: p.Glu1002Gln; replaces glutamic acid 1002 with glutamine.
Molecular consequence: missense variant.
Genome position (GRCh38, 1-based): chr15:73,323,089, C>G on the plus strand (G>C on the coding strand, the complement: HCN4 is on the minus strand). VCF-style: chr15-73323089-C-G. GRCh37 (hg19) VCF-style: chr15-73615430-C-G.
Other names: short protein forms E1002Q.
Identifiers: ClinVar variation 404131 (VCV000404131.7), dbSNP rs1060500106, ClinGen allele CA16614917.

ClinVar aggregate classification (germline): Uncertain significance (1 of 4 stars; one submission).

Conditions:
Brugada syndrome 8 (BRGDA8). Identifiers: Orphanet 130, MedGen C2751083, MONDO:0013148, OMIM 613123.

Allele frequency attached by ClinVar (database versions not stated): gnomAD exomes below 0.00001.
gnomAD v4.1: 1 of 1,582,862 alleles (0.000063%); highest among the groups gnomAD compares: East Asian, 0.0023%; no homozygotes.

Submission:

Labcorp Genetics (formerly Invitae), Labcorp
Classification: Uncertain significance for Brugada syndrome 8. Last evaluated: 2018-04-14. Review status: criteria provided, single submitter. Criteria: Invitae Variant Classification Sherloc (09022015). Collection method: clinical testing. Allele origin: germline.
Comment: In summary, this variant is a novel missense change with uncertain impact on protein function. It has been classified as a Variant of Uncertain Significance. Algorithms developed to predict the effect of missense changes on protein structure and function do not agree on the potential impact of this missense change (SIFT: "Deleterious"; PolyPhen-2: "Unknown"; Align-GVGD: "Class C25"). This variant is not present in population databases (ExAC no frequency) and has not been reported in the literature in individuals with a HCN4-related disease. ClinVar contains an entry for this variant (Variation ID: 404131). This sequence change replaces glutamic acid with glutamine at codon 1002 of the HCN4 protein (p.Glu1002Gln). The glutamic acid residue is highly conserved and there is a small physicochemical difference between glutamic acid and glutamine.